The following is an entry in ClinVar:

NM_022041.4(GAN):c.348C>G (p.Asp116Glu)

Gene: GAN (gigaxonin; plus strand). Cytogenetic location: 16q23.2.
Variant type: single nucleotide variant.
Coding change: c.348C>G on transcript NM_022041.4 (MANE Select); coding-DNA position 348, C replaced by G.
Protein change: p.Asp116Glu; replaces aspartic acid 116 with glutamic acid.
Molecular consequence: missense variant. On other transcripts: 5 prime UTR variant (1).
Genome position (GRCh38, 1-based): chr16:81,354,470, C>G. VCF-style: chr16-81354470-C-G. GRCh37 (hg19) VCF-style: chr16-81388075-C-G.
Other names: c.-292C>G (NM_001377486.1); short protein forms D116E.
Identifiers: ClinVar variation 1928247 (VCV001928247.3), dbSNP rs372022466, ClinGen allele CA8191355.

ClinVar aggregate classification (germline): Uncertain significance. Review status: criteria provided, multiple submitters, no conflicts (2 of 4 stars). 2 submissions from 2 submitters: Uncertain significance (2). Last evaluated 2025-07-02.

Conditions:
Giant axonal neuropathy 1 (GAN1). Also called: GIANT AXONAL NEUROPATHY 1, AUTOSOMAL RECESSIVE; GAN-Related Neurodegeneration. Identifiers: Orphanet 643, MedGen C1850386, MONDO:0009749, OMIM 256850.
Inborn genetic diseases. Identifiers: MedGen C0950123, MeSH D030342.

Allele frequency attached by ClinVar (database versions not stated): gnomAD exomes below 0.00001; gnomAD 0.00007; TOPMed 0.00007.
gnomAD v4.1: 17 of 1,613,894 alleles (0.0011%); highest among the groups gnomAD compares: African/African-American, 0.021%; no homozygotes.

Submissions (2):

Ambry Genetics
Classification: Uncertain significance for Inborn genetic diseases. Last evaluated: 2025-07-02. Review status: criteria provided, single submitter. Criteria: Ambry Variant Classification Scheme 2023. Collection method: clinical testing. Allele origin: germline.

Labcorp Genetics (formerly Invitae), Labcorp
Classification: Uncertain significance for Giant axonal neuropathy 1. Last evaluated: 2022-06-08. Review status: criteria provided, single submitter. Criteria: Invitae Variant Classification Sherloc (09022015). Collection method: clinical testing. Allele origin: germline.
Comment: This sequence change replaces aspartic acid, which is acidic and polar, with glutamic acid, which is acidic and polar, at codon 116 of the GAN protein (p.Asp116Glu). This variant is present in population databases (rs372022466, gnomAD 0.02%). This variant has not been reported in the literature in individuals affected with GAN-related conditions. Algorithms developed to predict the effect of missense changes on protein structure and function (SIFT, PolyPhen-2, Align-GVGD) all suggest that this variant is likely to be tolerated. In summary, the available evidence is currently insufficient to determine the role of this variant in disease. Therefore, it has been classified as a Variant of Uncertain Significance.